The following is an entry in ClinVar:

ClinVar aggregate classification (germline): Uncertain significance (1 of 4 stars; one submission).

Conditions:
Inborn genetic diseases. Identifiers: MedGen C0950123, MeSH D030342.

Submission:

Ambry Genetics
Classification: Uncertain significance for Inborn genetic diseases. Last evaluated: 2026-07-30. Review status: criteria provided, single submitter. Criteria: Ambry Variant Classification Scheme 2023. Collection method: clinical testing. Allele origin: germline.
Comment: The p.Q1405R variant (also known as c.4214A>G), located in coding exon 42 of the FANCA gene, results from an A to G substitution at nucleotide position 4214. The glutamine at codon 1405 is replaced by arginine, an amino acid with highly similar properties. This amino acid position is conserved. In addition, this alteration is predicted to be tolerated by in silico analysis. Based on the available evidence, the clinical significance of this variant remains unclear.

NM_000135.4(FANCA):c.4214A>G (p.Gln1405Arg)

Genes: FANCA (FA complementation group A; minus strand), ZNF276 (zinc finger protein 276; plus strand). Cytogenetic location: 16q24.3.
Variant type: single nucleotide variant.
Coding change: c.4214A>G on transcript NM_000135.4 (MANE Select); coding-DNA position 4214, A replaced by G.
Protein change: p.Gln1405Arg; replaces glutamine 1405 with arginine.
Molecular consequence: missense variant. On other transcripts: synonymous variant (1), 3 prime UTR variant (2), non-coding transcript variant (4).
Genome position (GRCh38, 1-based): chr16:89,738,928, T>C on the plus strand (A>G on the coding strand, the complement: FANCA is on the minus strand). VCF-style: chr16-89738928-T-C. GRCh37 (hg19) VCF-style: chr16-89805336-T-C.
Other names: c.4218A>G, p.Ala1406= (NM_001286167.3); c.*682T>C (NM_001113525.2, NM_152287.4); short protein forms Q1405R.
Identifiers: ClinVar variation 5036384 (VCV005036384.1).